The following is an entry in ClinVar:

NM_002335.4(LRP5):c.3758G>T (p.Cys1253Phe)

Gene: LRP5 (LDL receptor related protein 5; plus strand). Cytogenetic location: 11q13.2.
Variant type: single nucleotide variant.
Coding change: c.3758G>T on transcript NM_002335.4 (MANE Select); coding-DNA position 3758, G replaced by T.
Protein change: p.Cys1253Phe; replaces cysteine 1253 with phenylalanine.
Molecular consequence: missense variant.
Genome position (GRCh38, 1-based): chr11:68,429,695, G>T. VCF-style: chr11-68429695-G-T. GRCh37 (hg19) VCF-style: chr11-68197163-G-T.
Other names: c.2015G>T, p.Cys672Phe (NM_001291902.2); short protein forms C1253F, C672F.
Identifiers: ClinVar variation 3721069 (VCV003721069.3).

ClinVar aggregate classification (germline): Pathogenic/Likely pathogenic. Review status: criteria provided, multiple submitters, no conflicts (2 of 4 stars). 2 submissions from 2 submitters: Pathogenic (1); Likely pathogenic (1). Last evaluated 2024-08-06.

Conditions:
LRP5-related disorder. Also called: LRP5-related condition.

gnomAD v4.1: 5 of 1,614,126 alleles (0.00031%); highest among the groups gnomAD compares: Non-Finnish European, 0.00042%; no homozygotes.

Submissions (2):

Labcorp Genetics (formerly Invitae), Labcorp
Classification: Pathogenic. Last evaluated: 2024-08-06. Review status: criteria provided, single submitter. Criteria: Invitae Variant Classification Sherloc (09022015). Collection method: clinical testing. Allele origin: germline.
Comment: This sequence change replaces cysteine, which is neutral and slightly polar, with phenylalanine, which is neutral and non-polar, at codon 1253 of the LRP5 protein (p.Cys1253Phe). This variant is present in population databases (rs768615287, gnomAD 0.0009%). This missense change has been observed in individual(s) with osteoporosis-pseudoglioma syndrome and/or familial exudative vitreoretinopathy (PMID: 20340138, 24423337, 34743040). In at least one individual the data is consistent with being in trans (on the opposite chromosome) from a pathogenic variant. Advanced modeling of protein sequence and biophysical properties (such as structural, functional, and spatial information, amino acid conservation, physicochemical variation, residue mobility, and thermodynamic stability) performed at Invitae indicates that this missense variant is expected to disrupt LRP5 protein function with a positive predictive value of 80%. For these reasons, this variant has been classified as Pathogenic.

Blueprint Genetics
Classification: Likely pathogenic for LRP5-related disorders. Last evaluated: 2022-10-19. Review status: criteria provided, single submitter. Criteria: ACMG Guidelines, 2015. Collection method: clinical testing. Allele origin: germline. Affected: yes. Observed: 1 variant allele.

Literature cited by the submitters: PubMed 20340138 (cited by Labcorp Genetics (formerly Invitae), Labcorp); PubMed 24423337 (cited by Labcorp Genetics (formerly Invitae), Labcorp); PubMed 34743040 (cited by Labcorp Genetics (formerly Invitae), Labcorp).